The following is an entry in ClinVar:

NM_130837.3(OPA1):c.534A>G (p.Leu178=)

Gene: OPA1 (OPA1 mitochondrial dynamin like GTPase; plus strand). Cytogenetic location: 3q29.
Variant type: single nucleotide variant.
Coding change: c.534A>G on transcript NM_130837.3 (MANE Select); coding-DNA position 534, A replaced by G.
Protein change: p.Leu178=; no amino-acid change (leucine 178 retained).
Molecular consequence: synonymous variant. On other transcripts: intron variant (5).
Genome position (GRCh38, 1-based): chr3:193,617,263, A>G. VCF-style: chr3-193617263-A-G. GRCh37 (hg19) VCF-style: chr3-193335052-A-G.
Other names: c.162A>G, p.Leu54= (NM_001354664.2); c.534A>G, p.Leu178= (NM_015560.3, NM_130834.3, NM_130836.3); c.76+1493A>G (NM_001354663.2); c.449-521A>G (NM_130835.3, NM_130832.3); c.448+1493A>G (NM_130833.3, NM_130831.3); c.534A>G (NM_130837.2).
Identifiers: ClinVar variation 387458 (VCV000387458.10), dbSNP rs758901451, ClinGen allele CA2759035.

ClinVar aggregate classification (germline): Likely benign. Review status: criteria provided, multiple submitters, no conflicts (2 of 4 stars). 4 submissions from 4 submitters: Likely benign (4). Last evaluated 2026-09-15.

Conditions:
OPA1-related disorder. Also called: OPA1-related disorders; OPA1-related condition.

Allele frequency attached by ClinVar (database versions not stated): gnomAD 0.00004 and 0.00002; gnomAD exomes 0.00001; ExAC 0.00002; TOPMed 0.00002.
gnomAD v4.1: 25 of 1,610,972 alleles (0.0016%); highest among the groups gnomAD compares: African/African-American, 0.0027%; no homozygotes.

Submissions (4):

PreventionGenetics, part of Exact Sciences
Classification: Likely benign for OPA1-related condition. Last evaluated: 2026-09-15. Review status: criteria provided, single submitter. Criteria: ACMG Guidelines, 2015. Collection method: clinical testing. Allele origin: germline.
Comment: This variant is classified as likely benign based on ACMG/AMP sequence variant interpretation guidelines (Richards et al. 2015 PMID: 25741868, with internal and published modifications).

Labcorp Genetics (formerly Invitae), Labcorp
Classification: Likely benign. Last evaluated: 2025-12-16. Review status: criteria provided, single submitter. Criteria: Invitae Variant Classification Sherloc (09022015). Collection method: clinical testing. Allele origin: germline.

Blueprint Genetics
Classification: Likely benign. Last evaluated: 2024-06-04. Review status: criteria provided, single submitter. Criteria: ACMG Guidelines, 2015. Collection method: clinical testing. Allele origin: germline.

GeneDx
Classification: Likely benign. Last evaluated: 2016-07-21. Review status: criteria provided, single submitter. Criteria: GeneDx Variant Classification (06012015). Collection method: clinical testing. Allele origin: germline. Affected: yes.
Comment: This variant is considered likely benign or benign based on one or more of the following criteria: it is a conservative change, it occurs at a poorly conserved position in the protein, it is predicted to be benign by multiple in silico algorithms, and/or has population frequency not consistent with disease.